The following is an entry in ClinVar:

NM_005188.4(CBL):c.710C>T (p.Ser237Leu)

Gene: CBL (Cbl proto-oncogene; plus strand). Cytogenetic location: 11q23.3.
Variant type: single nucleotide variant.
Coding change: c.710C>T on transcript NM_005188.4 (MANE Select); coding-DNA position 710, C replaced by T.
Protein change: p.Ser237Leu; replaces serine 237 with leucine.
Molecular consequence: missense variant.
Genome position (GRCh38, 1-based): chr11:119,273,987, C>T. VCF-style: chr11-119273987-C-T. GRCh37 (hg19) VCF-style: chr11-119144697-C-T.
Other names: short protein forms S237L.
Identifiers: ClinVar variation 1027363 (VCV001027363.3), dbSNP rs1949868655, ClinGen allele CA382909675.
Genomic context (GRCh38, chr11:119,273,987, plus strand): 5'-CTGGGCTGGAGGCCATGGCTCTGAAATCCACTATTGATCTGACCTGCAATGATTATATTT[C>T]GGTTTTTGAATTTGACATCTTTACCCGACTCTTTCAGGTAGGACACTAAAAAAGTTGACT-3'
Protein context (NP_005179.2, residues 227-247): TIDLTCNDYI[Ser237Leu]VFEFDIFTRL

ClinVar aggregate classification (germline): Uncertain significance (1 of 4 stars; one submission).

Conditions:
CBL-related disorder. Also called: NOONAN SYNDROME-LIKE DISORDER WITHOUT JUVENILE MYELOMONOCYTIC LEUKEMIA; CBL MUTATION-ASSOCIATED SYNDROME; CBL SYNDROME. Identifiers: Orphanet 363972, MedGen C3150803, MONDO:0013308, OMIM 613563.

Allele frequency attached by ClinVar (database versions not stated): gnomAD exomes below 0.00001.
gnomAD v4.1: 4 of 1,613,676 alleles (0.00025%); highest among the groups gnomAD compares: Non-Finnish European, 0.00034%; no homozygotes.

Submission:

Institute of Human Genetics, University of Goettingen
Classification: Uncertain significance for CBL-related disorder. Last evaluated: 2020-06-30. Review status: criteria provided, single submitter. Criteria: ACMG Guidelines, 2015. Collection method: clinical testing. Allele origin: germline. Inheritance: Autosomal dominant inheritance. Affected: yes. Observed: 1 variant allele, 1 heterozygote.
Comment: This variant is absent from control studies, it is predicted to be damaging as it affects a highly conserved aminoacid in a functional domain of the protein. In summary and using ACMG criteria PM1,PM2, PP3 we classify this variant as variant of unknown clinical significance.